The following is an entry in ClinVar:

NM_001257096.2(PAX1):c.185GCG[8] (p.Gly66_Ala67insGlyGlyGly)

Gene: PAX1 (paired box 1; plus strand). Cytogenetic location: 20p11.22.
Variant type: Microsatellite.
Coding change: c.185GCG[8] on transcript NM_001257096.2 (MANE Select); eight copies in a row of the 3-base unit GCG starting at c.185; the reference has five copies in a row; three copies, 9 bases duplicated.
Protein change: p.Gly66_Ala67insGlyGlyGly.
Molecular consequence: inframe insertion.
Genome position (GRCh38, 1-based): chr20:21,705,903-21,705,911, GCGGCGGCG duplicated; duplicating any 9 consecutive bases within chr20:21,705,897-21,705,911 gives the same sequence; the position shown is the placement nearest the transcript's 3' end. VCF-style (leftmost placement, unchanged base first): chr20-21705896-C-CGCGGCGGCG. GRCh37 (hg19) VCF-style: chr20-21686534-C-CGCGGCGGCG.
Other names: c.185GCG[8], p.Gly66_Ala67insGlyGlyGly (NM_006192.5).
Identifiers: ClinVar variation 1910830 (VCV001910830.3), dbSNP rs778840655, ClinGen allele CA1016137706.
Genomic context (GRCh38, chr20:21,705,896, plus strand): 5'-AGCCCGCGGCTGGGCCGCCGCGGCTCTCGGCTCTCGGGCGCCCTCCCTCTATGCCTCTCA[C>CGCGGCGGCG]GCGGCGGCGGCGGCGCCCAAGCTCTCCCGGACTGCGCCGGGCCCAGCCCCGGCCACCCCG-3'

ClinVar aggregate classification (germline): Uncertain significance (1 of 4 stars; one submission).

Submission:

Labcorp Genetics (formerly Invitae), Labcorp
Classification: Uncertain significance. Last evaluated: 2022-04-22. Review status: criteria provided, single submitter. Criteria: Invitae Variant Classification Sherloc (09022015). Collection method: clinical testing. Allele origin: germline.
Comment: This variant, c.191_199dup, results in the insertion of 3 amino acid(s) of the PAX1 protein (p.Gly64_Gly66dup), but otherwise preserves the integrity of the reading frame. This variant is not present in population databases (gnomAD no frequency). This variant has not been reported in the literature in individuals affected with PAX1-related conditions. In summary, the available evidence is currently insufficient to determine the role of this variant in disease. Therefore, it has been classified as a Variant of Uncertain Significance.